The following is an entry in ClinVar:

NM_001289808.2(CRYAB):c.373C>G (p.Pro125Ala)

Gene: CRYAB (crystallin alpha B; minus strand). Cytogenetic location: 11q23.1.
Variant type: single nucleotide variant.
Coding change: c.373C>G on transcript NM_001289808.2 (MANE Select); coding-DNA position 373, C replaced by G.
Protein change: p.Pro125Ala; replaces proline 125 with alanine.
Molecular consequence: missense variant.
Genome position (GRCh38, 1-based): chr11:111,908,919, G>C on the plus strand (C>G on the coding strand, the complement: CRYAB is on the minus strand). VCF-style: chr11-111908919-G-C. GRCh37 (hg19) VCF-style: chr11-111779643-G-C.
Other names: c.373C>G, p.Pro125Ala (NM_001289807.1, NM_001368245.1, NM_001885.3); c.172C>G, p.Pro58Ala (NM_001330379.1, NM_001368246.1); short protein forms P125A, P58A.
Identifiers: ClinVar variation 1018839 (VCV001018839.8), dbSNP rs374661019, ClinGen allele CA382596493.

ClinVar aggregate classification (germline): Uncertain significance (1 of 4 stars; one submission).

Conditions:
Dilated cardiomyopathy 1II (CMD1II). Identifiers: Orphanet 154, MedGen C3554649, MONDO:0014073, OMIM 615184.

Submission:

Labcorp Genetics (formerly Invitae), Labcorp
Classification: Uncertain significance for Dilated cardiomyopathy 1II. Last evaluated: 2020-06-27. Review status: criteria provided, single submitter. Criteria: Invitae Variant Classification Sherloc (09022015). Collection method: clinical testing. Allele origin: germline.
Comment: In summary, the available evidence is currently insufficient to determine the role of this variant in disease. Therefore, it has been classified as a Variant of Uncertain Significance. Algorithms developed to predict the effect of missense changes on protein structure and function are either unavailable or do not agree on the potential impact of this missense change (SIFT: "Deleterious"; PolyPhen-2: "Probably Damaging"; Align-GVGD: "Class C0"). This variant has not been reported in the literature in individuals with CRYAB-related conditions. This variant is not present in population databases (ExAC no frequency). This sequence change replaces proline with alanine at codon 125 of the CRYAB protein (p.Pro125Ala). The proline residue is highly conserved and there is a small physicochemical difference between proline and alanine.